The following is an entry in ClinVar:

NM_022051.3(EGLN1):c.664A>G (p.Ile222Val)

Gene: EGLN1 (egl-9 family hypoxia inducible factor 1; minus strand). Cytogenetic location: 1q42.2.
Variant type: single nucleotide variant.
Coding change: c.664A>G on transcript NM_022051.3 (MANE Select); coding-DNA position 664, A replaced by G.
Protein change: p.Ile222Val; replaces isoleucine 222 with valine.
Molecular consequence: missense variant.
Genome position (GRCh38, 1-based): chr1:231,421,225, T>C on the plus strand (A>G on the coding strand, the complement: EGLN1 is on the minus strand). VCF-style: chr1-231421225-T-C. GRCh37 (hg19) VCF-style: chr1-231556971-T-C.
Other names: c.664A>G, p.Ile222Val (NM_001377260.1, NM_001377261.1); short protein forms I222V.
Identifiers: ClinVar variation 2560764 (VCV002560764.3), dbSNP rs1201877205, ClinGen allele CA345236021.

ClinVar aggregate classification (germline): Uncertain significance (1 of 4 stars; one submission).

Allele frequency attached by ClinVar (database versions not stated): gnomAD 0.00001; TOPMed 0.00001.
gnomAD v4.1: 1 of 1,613,864 alleles (0.000062%); highest among the groups gnomAD compares: African/African-American, 0.0013%; no homozygotes.

Submission:

Ambry Genetics
Classification: Uncertain significance. Last evaluated: 2025-05-19. Review status: criteria provided, single submitter. Criteria: Ambry Variant Classification Scheme 2023. Collection method: clinical testing. Allele origin: germline.
Comment: The p.I222V variant (also known as c.664A>G), located in coding exon 1 of the EGLN1 gene, results from an A to G substitution at nucleotide position 664. The isoleucine at codon 222 is replaced by valine, an amino acid with highly similar properties. This amino acid position is conserved. In addition, this alteration is predicted to be tolerated by in silico analysis. Since supporting evidence is limited at this time, the clinical significance of this alteration remains unclear.